The following is an entry in ClinVar:

NM_001165963.4(SCN1A):c.*20A>G

Genes: SCN1A (sodium voltage-gated channel alpha subunit 1; minus strand), LOC102724058 (uncharacterized LOC102724058; plus strand). Cytogenetic location: 2q24.3.
Variant type: single nucleotide variant.
Coding change: c.*20A>G on transcript NM_001165963.4 (MANE Select); 20 bases downstream of the stop codon, A replaced by G.
Molecular consequence: 3 prime UTR variant. On other transcripts: non-coding transcript variant (1).
Genome position (GRCh38, 1-based): chr2:165,991,225, T>C on the plus strand (A>G on the coding strand, the complement: SCN1A is on the minus strand). VCF-style: chr2-165991225-T-C. GRCh37 (hg19) VCF-style: chr2-166847735-T-C.
Other names: c.*20A>G (NM_001165964.3, NM_001202435.3, NM_001353948.2 and 11 more transcripts).
Identifiers: ClinVar variation 206733 (VCV000206733.2), dbSNP rs565537621, ClinGen allele CA317112.

ClinVar aggregate classification (germline): Benign (1 of 4 stars; one submission).

Allele frequency attached by ClinVar (database versions not stated): TOPMed 0.00015; 1000 Genomes Project 30x 0.00016; 1000 Genomes Project 0.00020; gnomAD 0.00041.
gnomAD v4.1: 162 of 1,582,492 alleles (0.01%); highest among the groups gnomAD compares: East Asian, 0.31%; no homozygotes.

Submission:

GeneDx
Classification: Benign. Last evaluated: 2014-12-29. Review status: criteria provided, single submitter. Criteria: GeneDx Variant Classification (06012015). Collection method: clinical testing. Allele origin: germline. Affected: yes.
Comment: This variant is considered likely benign or benign based on one or more of the following criteria: it is a conservative change, it occurs at a poorly conserved position in the protein, it is predicted to be benign by multiple in silico algorithms, and/or has population frequency not consistent with disease.